The following is an entry in ClinVar:

NM_018359.5(UFSP2):c.186A>G (p.Ile62Met)

Genes: CFAP96 (cilia and flagella associated protein 96; plus strand), UFSP2 (UFM1 specific peptidase 2; minus strand). Cytogenetic location: 4q35.1.
Variant type: single nucleotide variant.
Coding change: c.186A>G on transcript NM_018359.5 (MANE Select); coding-DNA position 186, A replaced by G.
Protein change: p.Ile62Met; replaces isoleucine 62 with methionine.
Molecular consequence: missense variant. On other transcripts: non-coding transcript variant (2).
Genome position (GRCh38, 1-based): chr4:185,418,667, T>C on the plus strand (A>G on the coding strand, the complement: UFSP2 is on the minus strand). VCF-style: chr4-185418667-T-C. GRCh37 (hg19) VCF-style: chr4-186339821-T-C.
Other names: short protein forms I62M.
Identifiers: ClinVar variation 746197 (VCV000746197.4), dbSNP rs142706569, ClinGen allele CA3158673.

ClinVar aggregate classification (germline): Likely benign. Review status: criteria provided, single submitter (1 of 4 stars). 2 submissions from 2 submitters: Likely benign (1). 1 of the submissions does not count toward it. Last evaluated 2018-08-17.

Allele frequency attached by ClinVar (database versions not stated): gnomAD exomes 0.00007 and 0.00020; ExAC 0.00026; gnomAD 0.00079 and 0.00081; TOPMed 0.00096; ESP Exome Variant Server 0.00108; 1000 Genomes Project 0.00160; 1000 Genomes Project 30x 0.00172.
gnomAD v4.1: 218 of 1,614,028 alleles (0.014%); highest among the groups gnomAD compares: African/African-American, 0.26%; no homozygotes.

Submissions (2):

Labcorp Genetics (formerly Invitae), Labcorp
Classification: Likely benign. Last evaluated: 2018-08-17. Review status: criteria provided, single submitter. Criteria: Invitae Variant Classification Sherloc (09022015). Collection method: clinical testing. Allele origin: germline.

Department of Pathology and Laboratory Medicine, Sinai Health System
Classification: Likely benign. Review status: no assertion criteria provided. Collection method: clinical testing. Allele origin: unknown. Affected: yes. Study: The Canadian Open Genetics Repository (COGR). Not counted in ClinVar's aggregate classification.
Comment: The UFSP2 p.Ile62Met variant was not identified in the literature nor was it identified in LOVD 3.0. The variant was identified in dbSNP (ID: rs142706569) and ClinVar (classified as likely benign by Invitae). The variant was identified in control databases in 70 of 282824 chromosomes at a frequency of 0.0002475 (Genome Aggregation Database March 6, 2019, v2.1.1). The variant was observed in the following populations: African in 68 of 24970 chromosomes (freq: 0.002723) and Latino in 2 of 35404 chromosomes (freq: 0.000056), but was not observed in the Ashkenazi Jewish, East Asian, European (Finnish), European (non-Finnish), Other, or South Asian populations. The p.Ile62 residue is not conserved in mammals and computational analyses (PolyPhen-2, SIFT, AlignGVGD, BLOSUM, MutationTaster) do not suggest a high likelihood of impact to the protein; however, this information is not predictive enough to rule out pathogenicity. The variant occurs outside of the splicing consensus sequence and in silico or computational prediction software programs (SpliceSiteFinder, MaxEntScan, NNSPLICE, GeneSplicer) do not predict a difference in splicing. In summary, based on the above information the clinical significance of this variant cannot be determined with certainty at this time although we would lean towards a more benign role for this variant. This variant is classified as likely benign.